The following is an entry in ClinVar:

ClinVar aggregate classification (germline): Uncertain significance (1 of 4 stars; one submission).

Submission:

Labcorp Genetics (formerly Invitae), Labcorp
Classification: Uncertain significance. Last evaluated: 2025-04-10. Review status: criteria provided, single submitter. Criteria: Invitae Variant Classification Sherloc (09022015). Collection method: clinical testing. Allele origin: germline.
Comment: This sequence change replaces alanine, which is neutral and non-polar, with valine, which is neutral and non-polar, at codon 571 of the DNM1L protein (p.Ala571Val). This variant is not present in population databases (gnomAD no frequency). This variant has not been reported in the literature in individuals affected with DNM1L-related conditions. An algorithm developed to predict the effect of missense changes on protein structure and function outputs the following: PolyPhen-2: "Benign". The valine amino acid residue is found in multiple mammalian species, which suggests that this missense change does not adversely affect protein function. In summary, the available evidence is currently insufficient to determine the role of this variant in disease. Therefore, it has been classified as a Variant of Uncertain Significance.

NM_012062.5(DNM1L):c.1712C>T (p.Ala571Val)

Gene: DNM1L (dynamin 1 like; plus strand). Cytogenetic location: 12p11.21.
Variant type: single nucleotide variant.
Coding change: c.1712C>T on transcript NM_012062.5 (MANE Select); coding-DNA position 1712, C replaced by T.
Protein change: p.Ala571Val; replaces alanine 571 with valine.
Molecular consequence: missense variant.
Genome position (GRCh38, 1-based): chr12:32,740,068, C>T. VCF-style: chr12-32740068-C-T. GRCh37 (hg19) VCF-style: chr12-32893002-C-T.
Other names: c.1679C>T, p.Ala560Val (NM_001278463.2); c.1751C>T, p.Ala584Val (NM_001278464.2); c.1718C>T, p.Ala573Val (NM_001278465.2); c.1103C>T, p.Ala368Val (NM_001278466.2); c.1640C>T, p.Ala547Val (NM_001330380.2); c.1601C>T, p.Ala534Val (NM_005690.5); c.1634C>T, p.Ala545Val (NM_012063.4); short protein forms A560V, A573V, A534V, A545V, A547V, A584V, A368V, A571V.
Identifiers: ClinVar variation 4717036 (VCV004717036.1).